The following is an entry in ClinVar:

NM_018297.4(NGLY1):c.461G>A (p.Gly154Glu)

Gene: NGLY1 (N-glycanase 1; minus strand). Cytogenetic location: 3p24.2.
Variant type: single nucleotide variant.
Coding change: c.461G>A on transcript NM_018297.4 (MANE Select); coding-DNA position 461, G replaced by A.
Protein change: p.Gly154Glu; replaces glycine 154 with glutamic acid.
Molecular consequence: missense variant.
Genome position (GRCh38, 1-based): chr3:25,764,097, C>T on the plus strand (G>A on the coding strand, the complement: NGLY1 is on the minus strand). VCF-style: chr3-25764097-C-T. GRCh37 (hg19) VCF-style: chr3-25805588-C-T.
Other names: c.461G>A, p.Gly154Glu (NM_001145293.2, NM_001145295.2); c.335G>A, p.Gly112Glu (NM_001145294.2); c.461G>A (NM_018297.3); short protein forms G112E, G154E.
Identifiers: ClinVar variation 1494073 (VCV001494073.6), dbSNP rs375945206, ClinGen allele CA2289483.

ClinVar aggregate classification (germline): Uncertain significance. Review status: criteria provided, multiple submitters, no conflicts (2 of 4 stars). 2 submissions from 2 submitters: Uncertain significance (2). Last evaluated 2024-02-12.

Conditions:
Inborn genetic diseases. Identifiers: MedGen C0950123, MeSH D030342.
Congenital disorder of deglycosylation (CDDG). Identifiers: MedGen C3808991, MONDO:0031376.

Allele frequency attached by ClinVar (database versions not stated): gnomAD exomes 0.00002 and 0.00004; ExAC 0.00003; gnomAD 0.00003; TOPMed 0.00003; ESP Exome Variant Server 0.00015.
gnomAD v4.1: 40 of 1,614,016 alleles (0.0025%); highest among the groups gnomAD compares: Middle Eastern, 0.016%; no homozygotes.

Submissions (2):

Ambry Genetics
Classification: Uncertain significance for Inborn genetic diseases. Last evaluated: 2024-02-12. Review status: criteria provided, single submitter. Criteria: Ambry Variant Classification Scheme 2023. Collection method: clinical testing. Allele origin: germline.

Labcorp Genetics (formerly Invitae), Labcorp
Classification: Uncertain significance for Congenital disorder of deglycosylation. Last evaluated: 2021-08-31. Review status: criteria provided, single submitter. Criteria: Invitae Variant Classification Sherloc (09022015). Collection method: clinical testing. Allele origin: germline.
Comment: This sequence change replaces glycine with glutamic acid at codon 154 of the NGLY1 protein (p.Gly154Glu). The glycine residue is weakly conserved and there is a moderate physicochemical difference between glycine and glutamic acid. This variant is present in population databases (rs375945206, ExAC 0.006%). This variant has not been reported in the literature in individuals affected with NGLY1-related conditions. Algorithms developed to predict the effect of missense changes on protein structure and function output the following: SIFT: "Tolerated"; PolyPhen-2: "Benign"; Align-GVGD: "Class C0". The glutamic acid amino acid residue is found in multiple mammalian species, which suggests that this missense change does not adversely affect protein function. In summary, the available evidence is currently insufficient to determine the role of this variant in disease. Therefore, it has been classified as a Variant of Uncertain Significance.